The following is an entry in ClinVar:

ClinVar aggregate classification (germline): Uncertain significance. Review status: criteria provided, multiple submitters, no conflicts (2 of 4 stars). 4 submissions from 4 submitters: Uncertain significance (2). 2 of the submissions do not count toward it. Last evaluated 2021-03-18.

Conditions:
Retinitis pigmentosa 37 (RP37). Identifiers: Orphanet 791, MedGen C1970163, MONDO:0012625, OMIM 611131.
Enhanced S-cone syndrome (ESCS). Identifiers: Orphanet 53540, MedGen C1849394, MONDO:0100288, MONDO:0009989.

Allele frequency attached by ClinVar (database versions not stated): TOPMed below 0.00001; gnomAD exomes 0.00001.
gnomAD v4.1: 4 of 1,553,042 alleles (0.00026%); highest among the groups gnomAD compares: South Asian, 0.0012%; no homozygotes.

Submissions (4):

Labcorp Genetics (formerly Invitae), Labcorp
Classification: Uncertain significance. Last evaluated: 2021-03-18. Review status: criteria provided, single submitter. Criteria: Invitae Variant Classification Sherloc (09022015). Collection method: clinical testing. Allele origin: germline.
Comment: This sequence change replaces proline with serine at codon 152 of the NR2E3 protein (p.Pro152Ser). The proline residue is weakly conserved and there is a moderate physicochemical difference between proline and serine. This variant is not present in population databases (ExAC no frequency). This variant has not been reported in the literature in individuals with NR2E3-related conditions. ClinVar contains an entry for this variant (Variation ID: 552825). Experimental studies and prediction algorithms are not available or were not evaluated, and the functional significance of this variant is currently unknown. In summary, the available evidence is currently insufficient to determine the role of this variant in disease. Therefore, it has been classified as a Variant of Uncertain Significance.

Blueprint Genetics
Classification: Uncertain significance. Last evaluated: 2020-07-15. Review status: criteria provided, single submitter. Criteria: ACMG Guidelines, 2015. Collection method: clinical testing. Allele origin: germline.

Natera, Inc.
Classification: Uncertain significance for Enhanced S cone syndrome. Last evaluated: 2020-05-04. Review status: no assertion criteria provided. Collection method: clinical testing. Allele origin: germline. Not counted in ClinVar's aggregate classification.

Counsyl
Classification: Uncertain significance for Retinitis pigmentosa 37; ENHANCED S-CONE SYNDROME 1. Last evaluated: 2017-07-20. Review status: no assertion criteria provided. Collection method: clinical testing. Allele origin: unknown. Not counted in ClinVar's aggregate classification.

NM_014249.4(NR2E3):c.454C>T (p.Pro152Ser)

Gene: NR2E3 (nuclear receptor subfamily 2 group E member 3; plus strand). Cytogenetic location: 15q23.
Variant type: single nucleotide variant.
Coding change: c.454C>T on transcript NM_014249.4 (MANE Select); coding-DNA position 454, C replaced by T.
Protein change: p.Pro152Ser; replaces proline 152 with serine.
Molecular consequence: missense variant.
Genome position (GRCh38, 1-based): chr15:71,812,059, C>T. VCF-style: chr15-71812059-C-T. GRCh37 (hg19) VCF-style: chr15-72104399-C-T.
Other names: c.454C>T, p.Pro152Ser (NM_016346.4); short protein forms P152S.
Identifiers: ClinVar variation 552825 (VCV000552825.8), dbSNP rs1261697277, ClinGen allele CA393034486.